The following is an entry in ClinVar:

NM_005097.4(LGI1):c.360-7A>G

Gene: LGI1 (leucine rich glioma inactivated 1; plus strand). Cytogenetic location: 10q23.33.
Variant type: single nucleotide variant.
Coding change: c.360-7A>G on transcript NM_005097.4 (MANE Select); 7 bases into the intron before coding-DNA position 360, A replaced by G.
Molecular consequence: intron variant.
Genome position (GRCh38, 1-based): chr10:93,777,539, A>G. VCF-style: chr10-93777539-A-G. GRCh37 (hg19) VCF-style: chr10-95537296-A-G.
Other names: c.360-7A>G (NM_001308275.2); c.288-12560A>G (NM_001308276.2).
Identifiers: ClinVar variation 516150 (VCV000516150.51), dbSNP rs770317882, ClinGen allele CA5611080.

ClinVar aggregate classification (germline): Likely benign. Review status: criteria provided, multiple submitters, no conflicts (2 of 4 stars). 4 submissions from 4 submitters: Likely benign (4). Last evaluated 2024-11-08.

Conditions:
Autosomal dominant epilepsy with auditory features. Identifiers: Orphanet 101046, MedGen C1838062, MONDO:0010898.

Allele frequency attached by ClinVar (database versions not stated): gnomAD 0.00001; TOPMed 0.00001; gnomAD exomes 0.00002 and 0.00003; ExAC 0.00003.
gnomAD v4.1: 33 of 1,612,774 alleles (0.002%); highest among the groups gnomAD compares: Non-Finnish European, 0.0028%; no homozygotes.

Submissions (4):

Blueprint Genetics
Classification: Likely benign. Last evaluated: 2024-11-08. Review status: criteria provided, single submitter. Criteria: ACMG Guidelines, 2015. Collection method: clinical testing. Allele origin: germline.

Labcorp Genetics (formerly Invitae), Labcorp
Classification: Likely benign for Autosomal dominant epilepsy with auditory features. Last evaluated: 2024-09-29. Review status: criteria provided, single submitter. Criteria: Invitae Variant Classification Sherloc (09022015). Collection method: clinical testing. Allele origin: germline.

CeGaT Center for Human Genetics Tuebingen
Classification: Likely benign. Last evaluated: 2018-11-01. Review status: criteria provided, single submitter. Criteria: CeGaT Center For Human Genetics Tuebingen Variant Classification Criteria Version 2. Collection method: clinical testing. Allele origin: germline. Affected: yes. Observed: 1 variant allele.

GeneDx
Classification: Likely benign. Last evaluated: 2018-01-03. Review status: criteria provided, single submitter. Criteria: GeneDx Variant Classification (06012015). Collection method: clinical testing. Allele origin: germline. Affected: yes.
Comment: This variant is considered likely benign or benign based on one or more of the following criteria: it is a conservative change, it occurs at a poorly conserved position in the protein, it is predicted to be benign by multiple in silico algorithms, and/or has population frequency not consistent with disease.